The following is an entry in ClinVar:

ClinVar aggregate classification (germline): Uncertain significance. Review status: criteria provided, multiple submitters, no conflicts (2 of 4 stars). 2 submissions from 2 submitters: Uncertain significance (2). Last evaluated 2021-06-17.

Conditions:
Alstrom syndrome (ALMS). Identifiers: Orphanet 64, MedGen C0268425, MONDO:0008763, OMIM 203800.

gnomAD v4.1: 1 of 1,581,314 alleles (0.000063%); no homozygotes.

Submissions (2):

Labcorp Genetics (formerly Invitae), Labcorp
Classification: Uncertain significance for Alstrom syndrome. Last evaluated: 2021-06-17. Review status: criteria provided, single submitter. Criteria: Invitae Variant Classification Sherloc (09022015). Collection method: clinical testing. Allele origin: germline.
Comment: This sequence change replaces valine with isoleucine at codon 523 of the ALMS1 protein (p.Val523Ile). The valine residue is weakly conserved and there is a small physicochemical difference between valine and isoleucine. This variant is not present in population databases (ExAC no frequency). This variant has not been reported in the literature in individuals with ALMS1-related conditions. Experimental studies and prediction algorithms are not available or were not evaluated, and the functional significance of this variant is currently unknown. In summary, the available evidence is currently insufficient to determine the role of this variant in disease. Therefore, it has been classified as a Variant of Uncertain Significance.

Blueprint Genetics
Classification: Uncertain significance. Last evaluated: 2019-11-11. Review status: criteria provided, single submitter. Criteria: ACMG Guidelines, 2015. Collection method: clinical testing. Allele origin: germline.

NM_001378454.1(ALMS1):c.1564G>A (p.Val522Ile)

Gene: ALMS1 (ALMS1 centrosome and basal body associated protein; plus strand). Cytogenetic location: 2p13.1.
Variant type: single nucleotide variant.
Coding change: c.1564G>A on transcript NM_001378454.1 (MANE Select); coding-DNA position 1564, G replaced by A.
Protein change: p.Val522Ile; replaces valine 522 with isoleucine.
Molecular consequence: missense variant.
Genome position (GRCh38, 1-based): chr2:73,448,091, G>A. VCF-style: chr2-73448091-G-A. GRCh37 (hg19) VCF-style: chr2-73675221-G-A.
Other names: c.1567G>A, p.Val523Ile (NM_015120.4); short protein forms V523I, V522I.
Identifiers: ClinVar variation 2187821 (VCV002187821.2), dbSNP rs1329606532, ClinGen allele CA347264781.
Genomic context (GRCh38, chr2:73,448,091, plus strand): 5'-GTTGATTCAGACATTGGATCTCATTTATCCTTGTCCCTTGAGGACCTGTCTCAGTTGGCT[G>A]TAAGTTCTCCTCTAGAAACTACTACTGGTCAACACACTGATACTCTCAACCAAAAGACAT-3'
Protein context (NP_001365383.1, residues 512-532): LSLEDLSQLA[Val522Ile]SSPLETTTGQ